The following is an entry in ClinVar:

ClinVar aggregate classification (germline): Uncertain significance (1 of 4 stars; one submission).

Submission:

Labcorp Genetics (formerly Invitae), Labcorp
Classification: Uncertain significance. Last evaluated: 2024-03-07. Review status: criteria provided, single submitter. Criteria: Invitae Variant Classification Sherloc (09022015). Collection method: clinical testing. Allele origin: germline.
Comment: This sequence change replaces serine, which is neutral and polar, with arginine, which is basic and polar, at codon 1657 of the ALPK3 protein (p.Ser1657Arg). This variant is not present in population databases (gnomAD no frequency). This variant has not been reported in the literature in individuals affected with ALPK3-related conditions. An algorithm developed to predict the effect of missense changes on protein structure and function (PolyPhen-2) suggests that this variant is likely to be disruptive. In summary, the available evidence is currently insufficient to determine the role of this variant in disease. Therefore, it has been classified as a Variant of Uncertain Significance.

NM_020778.5(ALPK3):c.4365C>A (p.Ser1455Arg)

Gene: ALPK3 (alpha kinase 3; plus strand). Cytogenetic location: 15q25.3.
Variant type: single nucleotide variant.
Coding change: c.4365C>A on transcript NM_020778.5 (MANE Select); coding-DNA position 4365, C replaced by A.
Protein change: p.Ser1455Arg; replaces serine 1455 with arginine.
Molecular consequence: missense variant.
Genome position (GRCh38, 1-based): chr15:84,862,870, C>A. VCF-style: chr15-84862870-C-A. GRCh37 (hg19) VCF-style: chr15-85406101-C-A.
Other names: short protein forms S1455R.
Identifiers: ClinVar variation 3645047 (VCV003645047.2).